The following is an entry in ClinVar:

ClinVar aggregate classification (germline): Uncertain significance (1 of 4 stars; one submission).

Conditions:
Absence seizure. Also called: Absence epilepsy. Identifiers: Orphanet 1941, MedGen C0014553.
Myoclonic epilepsy, juvenile, susceptibility to, 1. Also called: Myoclonic Epilepsy, Juvenile, 1; EJM1. Identifiers: MedGen C1850778, MONDO:0020752, OMIM 254770.

Allele frequency attached by ClinVar (database versions not stated): gnomAD exomes 0.00001; TOPMed 0.00001.
gnomAD v4.1: 20 of 1,613,982 alleles (0.0012%); highest among the groups gnomAD compares: Non-Finnish European, 0.0016%; no homozygotes.

Submission:

Labcorp Genetics (formerly Invitae), Labcorp
Classification: Uncertain significance for Myoclonic epilepsy, juvenile, susceptibility to, 1; Absence seizure. Last evaluated: 2020-08-19. Review status: criteria provided, single submitter. Criteria: Invitae Variant Classification Sherloc (09022015). Collection method: clinical testing. Allele origin: germline.
Comment: Algorithms developed to predict the effect of missense changes on protein structure and function (SIFT, PolyPhen-2, Align-GVGD) all suggest that this variant is likely to be disruptive, but these predictions have not been confirmed by published functional studies and their clinical significance is uncertain. In summary, the available evidence is currently insufficient to determine the role of this variant in disease. Therefore, it has been classified as a Variant of Uncertain Significance. This variant has not been reported in the literature in individuals with EFHC1-related conditions. This variant is present in population databases (rs757440981, ExAC 0.003%). This sequence change replaces tyrosine with cysteine at codon 124 of the EFHC1 protein (p.Tyr124Cys). The tyrosine residue is highly conserved and there is a large physicochemical difference between tyrosine and cysteine.

NM_018100.4(EFHC1):c.371A>G (p.Tyr124Cys)

Gene: EFHC1 (EF-hand domain containing 1; plus strand). Cytogenetic location: 6p12.2.
Variant type: single nucleotide variant.
Coding change: c.371A>G on transcript NM_018100.4 (MANE Select); coding-DNA position 371, A replaced by G.
Protein change: p.Tyr124Cys; replaces tyrosine 124 with cysteine.
Molecular consequence: missense variant. On other transcripts: non-coding transcript variant (1).
Genome position (GRCh38, 1-based): chr6:52,438,389, A>G. VCF-style: chr6-52438389-A-G. GRCh37 (hg19) VCF-style: chr6-52303187-A-G.
Other names: c.314A>G, p.Tyr105Cys (NM_001172420.2); short protein forms Y105C, Y124C.
Identifiers: ClinVar variation 1008815 (VCV001008815.10), dbSNP rs757440981, ClinGen allele CA3855734.